The following is an entry in ClinVar:

ClinVar aggregate classification (germline): Uncertain significance (1 of 4 stars; one submission).

gnomAD v4.1: 2 of 1,612,864 alleles (0.00012%); highest among the groups gnomAD compares: Non-Finnish European, 0.00017%; no homozygotes.

Submission:

Labcorp Genetics (formerly Invitae), Labcorp
Classification: Uncertain significance. Last evaluated: 2025-11-01. Review status: criteria provided, single submitter. Criteria: Invitae Variant Classification Sherloc (09022015). Collection method: clinical testing. Allele origin: germline.
Comment: This sequence change replaces serine, which is neutral and polar, with cysteine, which is neutral and slightly polar, at codon 614 of the DCHS1 protein (p.Ser614Cys). This variant is not present in population databases (gnomAD no frequency). This variant has not been reported in the literature in individuals affected with DCHS1-related conditions. Invitae Evidence Modeling of protein sequence and biophysical properties (such as structural, functional, and spatial information, amino acid conservation, physicochemical variation, residue mobility, and thermodynamic stability) indicates that this missense variant is expected to disrupt DCHS1 protein function with a positive predictive value of 80%. In summary, the available evidence is currently insufficient to determine the role of this variant in disease. Therefore, it has been classified as a Variant of Uncertain Significance.

NM_003737.4(DCHS1):c.1841C>G (p.Ser614Cys)

Gene: DCHS1 (dachsous cadherin-related 1; minus strand). Cytogenetic location: 11p15.4.
Variant type: single nucleotide variant.
Coding change: c.1841C>G on transcript NM_003737.4 (MANE Select); coding-DNA position 1841, C replaced by G.
Protein change: p.Ser614Cys; replaces serine 614 with cysteine.
Molecular consequence: missense variant.
Genome position (GRCh38, 1-based): chr11:6,634,263, G>C on the plus strand (C>G on the coding strand, the complement: DCHS1 is on the minus strand). VCF-style: chr11-6634263-G-C. GRCh37 (hg19) VCF-style: chr11-6655494-G-C.
Other names: short protein forms S614C.
Identifiers: ClinVar variation 4810359 (VCV004810359.1).